The following is an entry in ClinVar:

NM_001384732.1(CPLANE1):c.6712C>G (p.Pro2238Ala)

Gene: CPLANE1 (ciliogenesis and planar polarity effector complex subunit 1; minus strand). Cytogenetic location: 5p13.2.
Variant type: single nucleotide variant.
Coding change: c.6712C>G on transcript NM_001384732.1 (MANE Select); coding-DNA position 6712, C replaced by G.
Protein change: p.Pro2238Ala; replaces proline 2238 with alanine.
Molecular consequence: missense variant.
Genome position (GRCh38, 1-based): chr5:37,169,312, G>C on the plus strand (C>G on the coding strand, the complement: CPLANE1 is on the minus strand). VCF-style: chr5-37169312-G-C. GRCh37 (hg19) VCF-style: chr5-37169414-G-C.
Other names: c.6712C>G, p.Pro2238Ala (NM_023073.4); short protein forms P2238A.
Identifiers: ClinVar variation 1962100 (VCV001962100.5), dbSNP rs2547573642, ClinGen allele CA359479959.

ClinVar aggregate classification (germline): Uncertain significance (1 of 4 stars; one submission).

Submission:

Labcorp Genetics (formerly Invitae), Labcorp
Classification: Uncertain significance. Last evaluated: 2024-11-05. Review status: criteria provided, single submitter. Criteria: Invitae Variant Classification Sherloc (09022015). Collection method: clinical testing. Allele origin: germline.
Comment: This sequence change replaces proline, which is neutral and non-polar, with alanine, which is neutral and non-polar, at codon 2238 of the CPLANE1 protein (p.Pro2238Ala). This variant is not present in population databases (gnomAD no frequency). This variant has not been reported in the literature in individuals affected with CPLANE1-related conditions. ClinVar contains an entry for this variant (Variation ID: 1962100). Invitae Evidence Modeling of protein sequence and biophysical properties (such as structural, functional, and spatial information, amino acid conservation, physicochemical variation, residue mobility, and thermodynamic stability) indicates that this missense variant is not expected to disrupt CPLANE1 protein function with a negative predictive value of 95%. In summary, the available evidence is currently insufficient to determine the role of this variant in disease. Therefore, it has been classified as a Variant of Uncertain Significance.